The following is an entry in ClinVar:

ClinVar aggregate classification (germline): Likely benign. Review status: criteria provided, multiple submitters, no conflicts (2 of 4 stars). 2 submissions from 2 submitters: Likely benign (2). Last evaluated 2025-10-01.

Conditions:
Inborn genetic diseases. Identifiers: MedGen C0950123, MeSH D030342.

gnomAD v4.1: 1,358 of 1,613,896 alleles (0.084%); highest among the groups gnomAD compares: Non-Finnish European, 0.11%; no homozygotes.

Submissions (2):

CeGaT Center for Human Genetics Tuebingen
Classification: Likely benign. Last evaluated: 2025-10-01. Review status: criteria provided, single submitter. Criteria: CeGaT Center For Human Genetics Tuebingen Variant Classification Criteria Version 2. Collection method: clinical testing. Allele origin: germline. Affected: yes. Observed: 1 variant allele.
Comment: BAZ2B: BS1

Ambry Genetics
Classification: Likely benign for Inborn genetic diseases. Last evaluated: 2022-05-04. Review status: criteria provided, single submitter. Criteria: Ambry Variant Classification Scheme 2023. Collection method: clinical testing. Allele origin: germline.

NM_013450.4(BAZ2B):c.4413G>C (p.Lys1471Asn)

Genes: BAZ2B (bromodomain adjacent to zinc finger domain 2B; minus strand), LOC126806390 (CDK7 strongly-dependent group 2 enhancer GRCh37_chr2:160205700-160206899; plus strand). Cytogenetic location: 2q24.2.
Variant type: single nucleotide variant.
Coding change: c.4413G>C on transcript NM_013450.4 (MANE Select); coding-DNA position 4413, G replaced by C.
Protein change: p.Lys1471Asn; replaces lysine 1471 with asparagine.
Molecular consequence: missense variant.
Genome position (GRCh38, 1-based): chr2:159,350,158, C>G on the plus strand (G>C on the coding strand, the complement: BAZ2B is on the minus strand). VCF-style: chr2-159350158-C-G. GRCh37 (hg19) VCF-style: chr2-160206669-C-G.
Other names: c.4305G>C, p.Lys1435Asn (NM_001289975.1); c.4251G>C, p.Lys1417Asn (NM_001329857.2); c.4338G>C, p.Lys1446Asn (NM_001329858.2); short protein forms K1435N, K1446N, K1471N, K1417N.
Identifiers: ClinVar variation 2361867 (VCV002361867.8), dbSNP rs147334374, ClinGen allele CA1924145.